The following is an entry in ClinVar:

ClinVar aggregate classification (germline): Likely pathogenic (1 of 4 stars; one submission).

Conditions:
UBA2-related disorder.

Submission:

PreventionGenetics, part of Exact Sciences
Classification: Likely pathogenic for UBA2-related condition. Last evaluated: 2024-11-05. Review status: criteria provided, single submitter. Criteria: ACMG Guidelines, 2015. Collection method: clinical testing. Allele origin: germline.
Comment: The UBA2 c.1013dupA variant is predicted to result in a frameshift and premature protein termination (p.Asp338Glufs*4). To our knowledge, this variant has not been reported in the literature or in a large population database (gnomAD), indicating this variant is rare. Frameshift variants in UBA2 are expected to be pathogenic. This variant is interpreted as likely pathogenic.

NM_005499.3(UBA2):c.1013dup (p.Asp338fs)

Gene: UBA2 (ubiquitin like modifier activating enzyme 2; plus strand). Cytogenetic location: 19q13.11.
Variant type: Duplication.
Coding change: c.1013dup on transcript NM_005499.3 (MANE Select); coding-DNA position 1013, one base duplicated (A; older notation c.1013dupA).
Protein change: p.Asp338fs; shifts the reading frame from aspartic acid 338.
Molecular consequence: frameshift variant.
Genome position (GRCh38, 1-based): chr19:34,452,122, A duplicated. VCF-style (leftmost placement, unchanged base first): chr19-34452121-G-GA. GRCh37 (hg19) VCF-style: chr19-34943026-G-GA.
Other names: c.725dup, p.Asp242fs (NM_001411139.1); short protein forms D338fs, D242fs.
Identifiers: ClinVar variation 5001937 (VCV005001937.1).